The following is an entry in ClinVar:

NM_001330311.2(DVL1):c.770-7C>T

Gene: DVL1 (dishevelled segment polarity protein 1; minus strand). Cytogenetic location: 1p36.33.
Variant type: single nucleotide variant.
Coding change: c.770-7C>T on transcript NM_001330311.2 (MANE Select); 7 bases into the intron before coding-DNA position 770, C replaced by T.
Molecular consequence: intron variant.
Genome position (GRCh38, 1-based): chr1:1,340,184, G>A on the plus strand (C>T on the coding strand, the complement: DVL1 is on the minus strand). VCF-style: chr1-1340184-G-A. GRCh37 (hg19) VCF-style: chr1-1275564-G-A.
Other names: c.770-7C>T (NM_004421.2, NM_004421.3).
Identifiers: ClinVar variation 1576823 (VCV001576823.10), dbSNP rs1287882535, ClinGen allele CA521008414.

ClinVar aggregate classification (germline): Benign. Review status: criteria provided, single submitter (1 of 4 stars). 2 submissions from 2 submitters: Benign (1). 1 of the submissions does not count toward it. Last evaluated 2025-09-02.

Conditions:
DVL1-related disorder. Also called: DVL1-related condition.

Allele frequency attached by ClinVar (database versions not stated): gnomAD exomes 0.00002 and 0.00010.
gnomAD v4.1: 71 of 1,613,554 alleles (0.0044%); highest among the groups gnomAD compares: Admixed American, 0.12%; no homozygotes.

Submissions (2):

Labcorp Genetics (formerly Invitae), Labcorp
Classification: Benign. Last evaluated: 2025-09-02. Review status: criteria provided, single submitter. Criteria: Invitae Variant Classification Sherloc (09022015). Collection method: clinical testing. Allele origin: germline.

PreventionGenetics, part of Exact Sciences
Classification: Likely benign for DVL1-related condition. Last evaluated: 2021-11-23. Review status: no assertion criteria provided. Collection method: clinical testing. Allele origin: germline. Not counted in ClinVar's aggregate classification.
Comment: This variant is classified as likely benign based on ACMG/AMP sequence variant interpretation guidelines (Richards et al. 2015 PMID: 25741868, with internal and published modifications).